The following is an entry in ClinVar:

NM_001042492.3(NF1):c.4042del (p.His1348fs)

Gene: NF1 (neurofibromin 1; plus strand). Cytogenetic location: 17q11.2.
Variant type: Deletion.
Coding change: c.4042del on transcript NM_001042492.3 (MANE Select); coding-DNA position 4042, one base deleted (C; older notation c.4042delC).
Protein change: p.His1348fs; shifts the reading frame from histidine 1348.
Molecular consequence: frameshift variant.
Genome position (GRCh38, 1-based): chr17:31,249,051, C deleted; the last of 2 consecutive C bases (chr17:31,249,050-31,249,051); deleting either gives the same sequence. VCF-style (leftmost placement, unchanged base first): chr17-31249049-TC-T. GRCh37 (hg19) VCF-style: chr17-29576067-TC-T.
Other names: c.4042delC, p.His1348Metfs (NM_000267.4); short protein forms H1348fs.
Identifiers: ClinVar variation 847279 (VCV000847279.8), dbSNP rs2067449536, ClinGen allele CA916080636.
Genomic context (GRCh38, chr17:31,249,049, plus strand): 5'-AACCATCAGAGAGCCTTGAGGAAAACCAGCGGAACCTCCTTCAGATGACTGAAAAGTTCT[TC>T]CATGCCATCATCAGTTCCTCCTCAGAATTCCCCCCTCAACTTCGAAGTGTGTGCCACTGT-3'

ClinVar aggregate classification (germline): Pathogenic. Review status: criteria provided, multiple submitters, no conflicts (2 of 4 stars). 2 submissions from 2 submitters: Pathogenic (2). Last evaluated 2025-08-25.

Conditions:
Neurofibromatosis, type 1 (NF1). Also called: Neurofibromatosis, type I; VON RECKLINGHAUSEN DISEASE; Peripheral type neurofibromatosis; NEUROFIBROMATOSIS, TYPE I, SOMATIC. Identifiers: Orphanet 636, MedGen C0027831, MONDO:0018975, OMIM 162200. Disease mechanism: loss of function.

Submissions (2):

Labcorp Genetics (formerly Invitae), Labcorp
Classification: Pathogenic for Neurofibromatosis, type 1. Last evaluated: 2025-08-25. Review status: criteria provided, single submitter. Criteria: Invitae Variant Classification Sherloc (09022015). Collection method: clinical testing. Allele origin: germline.
Comment: This sequence change creates a premature translational stop signal (p.His1348Metfs*37) in the NF1 gene. It is expected to result in an absent or disrupted protein product. Loss-of-function variants in NF1 are known to be pathogenic (PMID: 10712197, 23913538). This variant is not present in population databases (gnomAD no frequency). This variant has not been reported in the literature in individuals affected with NF1-related conditions. ClinVar contains an entry for this variant (Variation ID: 847279). For these reasons, this variant has been classified as Pathogenic.

3billion
Classification: Pathogenic for Neurofibromatosis, type 1. Review status: criteria provided, single submitter. Criteria: ACMG Guidelines, 2015. Collection method: clinical testing. Allele origin: unknown. Affected: yes. Observed: 1 heterozygote.
Comment: The variant is not observed in the gnomAD v2.1.1 dataset. This frameshift variant is predicted to result in a loss or disruption of normal protein function through nonsense-mediated decay (NMD) or protein truncation. Multiple pathogenic variants are reported downstream of the variant. The variant has been reported to be associated with NF1-related disorder (ClinVar ID: VCV000847279). Therefore, this variant is classified as pathogenic according to the recommendation of ACMG/AMP guideline.

Literature cited by the submitters: PubMed 10712197 (cited by Labcorp Genetics (formerly Invitae), Labcorp); PubMed 23913538 (cited by Labcorp Genetics (formerly Invitae), Labcorp).